The following is an entry in ClinVar:

NM_024675.4(PALB2):c.2317A>C (p.Thr773Pro)

Gene: PALB2 (partner and localizer of BRCA2; minus strand). Cytogenetic location: 16p12.2.
Variant type: single nucleotide variant.
Coding change: c.2317A>C on transcript NM_024675.4 (MANE Select); coding-DNA position 2317, A replaced by C.
Protein change: p.Thr773Pro; replaces threonine 773 with proline.
Molecular consequence: missense variant.
Genome position (GRCh38, 1-based): chr16:23,629,837, T>G on the plus strand (A>C on the coding strand, the complement: PALB2 is on the minus strand). VCF-style: chr16-23629837-T-G. GRCh37 (hg19) VCF-style: chr16-23641158-T-G.
Other names: short protein forms T773P.
Identifiers: ClinVar variation 629960 (VCV000629960.6), dbSNP rs1567217632, ClinGen allele CA395125167.

ClinVar aggregate classification (germline): Uncertain significance. Review status: criteria provided, multiple submitters, no conflicts (2 of 4 stars). 2 submissions from 2 submitters: Uncertain significance (2). Last evaluated 2023-12-04.

Conditions:
Hereditary cancer-predisposing syndrome. Also called: Neoplastic Syndromes, Hereditary; Tumor predisposition; Hereditary neoplastic syndrome; Hereditary Cancer Syndrome. Identifiers: Orphanet 140162, MedGen C0027672, MeSH D009386, MONDO:0015356.

gnomAD v4.1: 1 of 1,614,208 alleles (0.000062%); highest among the groups gnomAD compares: Non-Finnish European, 0.000085%; no homozygotes.

Submissions (2):

Color Diagnostics, LLC DBA Color Health
Classification: Uncertain significance for Hereditary cancer-predisposing syndrome. Last evaluated: 2023-12-04. Review status: criteria provided, single submitter. Criteria: ACMG Guidelines, 2015. Collection method: clinical testing. Allele origin: germline.
Comment: This missense variant replaces threonine with proline at codon 773 of the PALB2 protein. Computational prediction suggests that this variant may not impact protein structure and function (internally defined REVEL score threshold <= 0.5, PMID: 27666373). To our knowledge, functional studies have not been reported for this variant. This variant has not been reported in individuals affected with PALB2-related disorders in the literature. This variant has not been identified in the general population by the Genome Aggregation Database (gnomAD). The available evidence is insufficient to determine the role of this variant in disease conclusively. Therefore, this variant is classified as a Variant of Uncertain Significance.

Ambry Genetics
Classification: Uncertain significance for Hereditary cancer-predisposing syndrome. Last evaluated: 2020-09-11. Review status: criteria provided, single submitter. Criteria: Ambry Variant Classification Scheme 2023. Collection method: clinical testing. Allele origin: germline.
Comment: The p.T773P variant (also known as c.2317A>C), located in coding exon 5 of the PALB2 gene, results from an A to C substitution at nucleotide position 2317. The threonine at codon 773 is replaced by proline, an amino acid with highly similar properties. This amino acid position is poorly conserved in available vertebrate species. In addition, this alteration is predicted to be tolerated by in silico analysis. Since supporting evidence is limited at this time, the clinical significance of this alteration remains unclear.